The following is an entry in ClinVar:

ClinVar aggregate classification (germline): Uncertain significance (1 of 4 stars; one submission).

Conditions:
Rhabdoid tumor predisposition syndrome 2 (RTPS2). Identifiers: Orphanet 231108, Orphanet 69077, MedGen C2750074, MONDO:0013224, OMIM 613325.

gnomAD v4.1: 4 of 1,611,008 alleles (0.00025%); highest among the groups gnomAD compares: East Asian, 0.0089%; no homozygotes.

Submission:

Labcorp Genetics (formerly Invitae), Labcorp
Classification: Uncertain significance for Rhabdoid tumor predisposition syndrome 2. Last evaluated: 2024-02-17. Review status: criteria provided, single submitter. Criteria: Invitae Variant Classification Sherloc (09022015). Collection method: clinical testing. Allele origin: germline.
Comment: This sequence change replaces alanine, which is neutral and non-polar, with serine, which is neutral and polar, at codon 39 of the SMARCA4 protein (p.Ala39Ser). This variant is present in population databases (rs764312409, gnomAD 0.006%). This variant has not been reported in the literature in individuals affected with SMARCA4-related conditions. ClinVar contains an entry for this variant (Variation ID: 408670). Advanced modeling of protein sequence and biophysical properties (such as structural, functional, and spatial information, amino acid conservation, physicochemical variation, residue mobility, and thermodynamic stability) performed at Invitae indicates that this missense variant is not expected to disrupt SMARCA4 protein function with a negative predictive value of 95%. In summary, the available evidence is currently insufficient to determine the role of this variant in disease. Therefore, it has been classified as a Variant of Uncertain Significance.

NM_003072.5(SMARCA4):c.115G>T (p.Ala39Ser)

Gene: SMARCA4 (SWI/SNF related BAF chromatin remodeling complex subunit ATPase 4; plus strand). Cytogenetic location: 19p13.2.
Variant type: single nucleotide variant.
Coding change: c.115G>T on transcript NM_003072.5 (MANE Select); coding-DNA position 115, G replaced by T.
Protein change: p.Ala39Ser; replaces alanine 39 with serine.
Molecular consequence: missense variant. On other transcripts: non-coding transcript variant (1).
Genome position (GRCh38, 1-based): chr19:10,984,266, G>T. VCF-style: chr19-10984266-G-T. GRCh37 (hg19) VCF-style: chr19-11094942-G-T.
Other names: c.115G>T, p.Ala39Ser (NM_001128844.3, NM_001128845.2, NM_001128846.2 and 5 more transcripts); short protein forms A39S.
Identifiers: ClinVar variation 408670 (VCV000408670.11), dbSNP rs764312409, ClinGen allele CA9203405.
Genomic context (GRCh38, chr19:10,984,266, plus strand): 5'-GGCCCTGGCCCTTCCCCTGGAGCCATGCTGGGCCCTAGCCCGGGTCCCTCGCCGGGCTCC[G>T]CCCACAGCATGATGGGGCCCAGCCCAGGGCCGCCCTCAGCAGGACACCCCATCCCCACCC-3'
Protein context (NP_003063.2, residues 29-49): GPSPGPSPGS[Ala39Ser]HSMMGPSPGP